The following is an entry in ClinVar:

NM_001258392.3(CLPB):c.1123-3C>T

Genes: CLPB (ClpB family mitochondrial disaggregase; minus strand), LOC126861258 (MED14-independent group 3 enhancer GRCh37_chr11:72012242-72013441; plus strand). Cytogenetic location: 11q13.4.
Variant type: single nucleotide variant.
Coding change: c.1123-3C>T on transcript NM_001258392.3 (MANE Select); 3 bases into the intron before coding-DNA position 1123, C replaced by T.
Molecular consequence: intron variant.
Genome position (GRCh38, 1-based): chr11:72,302,351, G>A on the plus strand (C>T on the coding strand, the complement: CLPB is on the minus strand). VCF-style: chr11-72302351-G-A. GRCh37 (hg19) VCF-style: chr11-72013395-G-A.
Other names: c.1036-3C>T (NM_001258393.3); c.1213-3C>T (NM_030813.6); c.1078-3C>T (NM_001258394.3).
Identifiers: ClinVar variation 1017672 (VCV001017672.5), dbSNP rs764474532, ClinGen allele CA475608393.

ClinVar aggregate classification (germline): Uncertain significance (1 of 4 stars; one submission).

Conditions:
3-methylglutaconic aciduria, type VIIB (MGCA7B). Also called: 3-methylglutaconic aciduria with cataracts, neurologic involvement and neutropenia; 3-methylglutaconic aciduria, type VII, with cataracts, neurologic involvement and neutropenia; CLPB Deficiency. Identifiers: Orphanet 445038, MedGen C5676893, MONDO:0014561, OMIM 616271.

Allele frequency attached by ClinVar (database versions not stated): gnomAD 0.00001; TOPMed 0.00001.
gnomAD v4.1: 23 of 1,614,020 alleles (0.0014%); highest among the groups gnomAD compares: Non-Finnish European, 0.0018%; no homozygotes.

Submission:

Labcorp Genetics (formerly Invitae), Labcorp
Classification: Uncertain significance for 3-methylglutaconic aciduria, type VIIB. Last evaluated: 2022-06-07. Review status: criteria provided, single submitter. Criteria: Invitae Variant Classification Sherloc (09022015). Collection method: clinical testing. Allele origin: germline.
Comment: This sequence change falls in intron 10 of the CLPB gene. It does not directly change the encoded amino acid sequence of the CLPB protein. It affects a nucleotide within the consensus splice site. This variant is present in population databases (no rsID available, gnomAD 0.002%). This variant has not been reported in the literature in individuals affected with CLPB-related conditions. ClinVar contains an entry for this variant (Variation ID: 1017672). Variants that disrupt the consensus splice site are a relatively common cause of aberrant splicing (PMID: 17576681, 9536098). Algorithms developed to predict the effect of sequence changes on RNA splicing suggest that this variant is not likely to affect RNA splicing. In summary, the available evidence is currently insufficient to determine the role of this variant in disease. Therefore, it has been classified as a Variant of Uncertain Significance.

Literature cited by the submitters: PubMed 17576681; PubMed 9536098.